The following is an entry in ClinVar:

ClinVar aggregate classification (germline): Uncertain significance (1 of 4 stars; one submission).

Conditions:
Hereditary cancer-predisposing syndrome. Also called: Neoplastic Syndromes, Hereditary; Tumor predisposition; Hereditary Cancer Syndrome; Hereditary neoplastic syndrome. Identifiers: Orphanet 140162, MedGen C0027672, MeSH D009386, MONDO:0015356.

Submission:

Ambry Genetics
Classification: Uncertain significance for Hereditary cancer-predisposing syndrome. Last evaluated: 2025-09-08. Review status: criteria provided, single submitter. Criteria: Ambry Variant Classification Scheme 2023. Collection method: clinical testing. Allele origin: germline.
Comment: The p.V831D variant (also known as c.2492T>A), located in coding exon 17 of the TSC1 gene, results from a T to A substitution at nucleotide position 2492. The valine at codon 831 is replaced by aspartic acid, an amino acid with highly dissimilar properties. This amino acid position is conserved. In addition, this alteration is predicted to be deleterious by in silico analysis. Based on the available evidence, the clinical significance of this variant remains unclear.

NM_000368.5(TSC1):c.2492T>A (p.Val831Asp)

Gene: TSC1 (TSC complex subunit 1; minus strand). Cytogenetic location: 9q34.13.
Variant type: single nucleotide variant.
Coding change: c.2492T>A on transcript NM_000368.5 (MANE Select); coding-DNA position 2492, T replaced by A.
Protein change: p.Val831Asp; replaces valine 831 with aspartic acid.
Molecular consequence: missense variant. On other transcripts: non-coding transcript variant (5), intron variant (8).
Genome position (GRCh38, 1-based): chr9:132,901,599, A>T on the plus strand (T>A on the coding strand, the complement: TSC1 is on the minus strand). VCF-style: chr9-132901599-A-T. GRCh37 (hg19) VCF-style: chr9-135776986-A-T.
Other names: c.1439T>A, p.Val480Asp (NM_001406630.1, NM_001406629.1); c.2094+32T>A (NM_001406625.1); c.2304+32T>A (NM_001406613.1); c.2457+32T>A (NM_001406609.1, NM_001406608.1); c.2460+32T>A (NM_001406606.1, NM_001406607.1, NM_001406605.1); c.2097+32T>A (NM_001406624.1); c.2489T>A, p.Val830Asp (NM_001162426.2, NM_001406597.1, NM_001406598.1 and 2 more transcripts); c.2339T>A, p.Val780Asp (NM_001162427.2, NM_001406610.1); and 8 more; short protein forms V826D, V480D, V513D, V514D, V779D, V780D, V830D, V831D.
Identifiers: ClinVar variation 4192096 (VCV004192096.1).